The following is an entry in ClinVar:

ClinVar aggregate classification (germline): Uncertain significance (1 of 4 stars; one submission).

Conditions:
Progressive familial heart block type IB (PFHB1B). Identifiers: Orphanet 871, MedGen C1970298, MONDO:0011474, OMIM 604559.

Submission:

Labcorp Genetics (formerly Invitae), Labcorp
Classification: Uncertain significance for Progressive familial heart block type IB. Last evaluated: 2026-01-25. Review status: criteria provided, single submitter. Criteria: Invitae Variant Classification Sherloc (09022015). Collection method: clinical testing. Allele origin: germline.
Comment: This sequence change replaces glutamine, which is neutral and polar, with arginine, which is basic and polar, at codon 831 of the TRPM4 protein (p.Gln831Arg). This variant is not present in population databases (gnomAD no frequency). This variant has not been reported in the literature in individuals affected with TRPM4-related conditions. An algorithm developed to predict the effect of missense changes on protein structure and function (PolyPhen-2) suggests that this variant is likely to be disruptive. In summary, the available evidence is currently insufficient to determine the role of this variant in disease. Therefore, it has been classified as a Variant of Uncertain Significance.

NM_017636.4(TRPM4):c.2492A>G (p.Gln831Arg)

Gene: TRPM4 (transient receptor potential cation channel subfamily M member 4; plus strand). Cytogenetic location: 19q13.33.
Variant type: single nucleotide variant.
Coding change: c.2492A>G on transcript NM_017636.4 (MANE Select); coding-DNA position 2492, A replaced by G.
Protein change: p.Gln831Arg; replaces glutamine 831 with arginine.
Molecular consequence: missense variant. On other transcripts: intron variant (1).
Genome position (GRCh38, 1-based): chr19:49,196,721, A>G. VCF-style: chr19-49196721-A-G. GRCh37 (hg19) VCF-style: chr19-49699978-A-G.
Other names: c.2147A>G, p.Gln716Arg (NM_001321281.2); c.884A>G, p.Gln295Arg (NM_001321282.2); c.1970A>G, p.Gln657Arg (NM_001321283.2); c.1430A>G, p.Gln477Arg (NM_001321285.2); c.2211-3579A>G (NM_001195227.2); short protein forms Q716R, Q831R, Q477R, Q295R, Q657R.
Identifiers: ClinVar variation 4774323 (VCV004774323.1).
Genomic context (GRCh38, chr19:49,196,721, plus strand): 5'-GCTCCCTGGAGCTGCTGCTCTATTTCTGGGCTTTCACGCTGCTGTGCGAGGAACTGCGCC[A>G]GGGCCTGAGCGGAGGCGGGGGCAGCCTCGCCAGCGGGGGCCCCGGGCCTGGCCATGCCTC-3'
Protein context (NP_060106.2, residues 821-841): AFTLLCEELR[Gln831Arg]GLSGGGGSLA